The following is an entry in ClinVar:

ClinVar aggregate classification (germline): Conflicting classifications of pathogenicity. Review status: criteria provided, conflicting classifications (1 of 4 stars). 2 submissions from 2 submitters: Pathogenic (1); Uncertain significance (1). Last evaluated 2024-02-16.

Conditions:
Otofaciocervical syndrome 2 (OTFCS2). Also called: OTOFACIOCERVICAL SYNDROME 2, WITH T-CELL DEFICIENCY. Identifiers: MedGen C5442121, MONDO:0014254, OMIM 615560.

Submissions (2):

Labcorp Genetics (formerly Invitae), Labcorp
Classification: Pathogenic. Last evaluated: 2024-02-16. Review status: criteria provided, single submitter. Criteria: Invitae Variant Classification Sherloc (09022015). Collection method: clinical testing. Allele origin: germline.
Comment: This sequence change creates a premature translational stop signal (p.Ala67Argfs*69) in the PAX1 gene. It is expected to result in an absent or disrupted protein product. Loss-of-function variants in PAX1 are known to be pathogenic (PMID: 1889089, 23851939, 28657137, 29681087). This variant is not present in population databases (gnomAD no frequency). This variant has not been reported in the literature in individuals affected with PAX1-related conditions. ClinVar contains an entry for this variant (Variation ID: 2143501). For these reasons, this variant has been classified as Pathogenic.

Revvity Omics, Revvity
Classification: Uncertain significance for Otofaciocervical syndrome 2. Last evaluated: 2021-04-10. Review status: criteria provided, single submitter. Criteria: ACMG Guidelines, 2015. Collection method: clinical testing. Allele origin: germline.

Literature cited by the submitters: PubMed 1889089 (cited by Labcorp Genetics (formerly Invitae), Labcorp); PubMed 23851939 (cited by Labcorp Genetics (formerly Invitae), Labcorp); PubMed 28657137 (cited by Labcorp Genetics (formerly Invitae), Labcorp); PubMed 29681087 (cited by Labcorp Genetics (formerly Invitae), Labcorp).

NM_001257096.2(PAX1):c.197dup (p.Ala67fs)

Gene: PAX1 (paired box 1; plus strand). Cytogenetic location: 20p11.22.
Variant type: Duplication.
Coding change: c.197dup on transcript NM_001257096.2 (MANE Select); coding-DNA position 197, one base duplicated (G; older notation c.197dupG).
Protein change: p.Ala67fs; shifts the reading frame from alanine 67.
Molecular consequence: frameshift variant.
Genome position (GRCh38, 1-based): chr20:21,705,909, G duplicated; the last of 2 consecutive G bases (chr20:21,705,908-21,705,909); duplicating either gives the same sequence. VCF-style (leftmost placement, unchanged base first): chr20-21705907-C-CG. GRCh37 (hg19) VCF-style: chr20-21686545-C-CG.
Other names: c.197dup, p.Ala67fs (NM_006192.5); short protein forms A67fs.
Identifiers: ClinVar variation 2143501 (VCV002143501.6), dbSNP rs1984968688, ClinGen allele CA1016137728.